The following is an entry in ClinVar:

ClinVar aggregate classification (germline): Uncertain significance (1 of 4 stars; one submission).

Conditions:
THBS1-related disorder. Also called: THBS1-related condition.

gnomAD v4.1: 241 of 1,614,048 alleles (0.015%); highest among the groups gnomAD compares: Admixed American, 0.07%; 1 homozygote.

Submission:

PreventionGenetics, part of Exact Sciences
Classification: Uncertain significance for THBS1-related condition. Last evaluated: 2025-03-18. Review status: criteria provided, single submitter. Criteria: ACMG Guidelines, 2015. Collection method: clinical testing. Allele origin: germline.
Comment: The THBS1 c.416A>G variant is predicted to result in the amino acid substitution p.His139Arg. To our knowledge, this variant has not been reported in the literature. This variant is reported in 0.082% of alleles in individuals of Latino descent in gnomAD. Although we suspect that this variant may be benign, at this time, the clinical significance of this variant is uncertain due to the absence of conclusive functional and genetic evidence.

NM_003246.4(THBS1):c.416A>G (p.His139Arg)

Gene: THBS1 (thrombospondin 1; plus strand). Cytogenetic location: 15q14.
Variant type: single nucleotide variant.
Coding change: c.416A>G on transcript NM_003246.4 (MANE Select); coding-DNA position 416, A replaced by G.
Protein change: p.His139Arg; replaces histidine 139 with arginine.
Molecular consequence: missense variant.
Genome position (GRCh38, 1-based): chr15:39,582,541, A>G. VCF-style: chr15-39582541-A-G. GRCh37 (hg19) VCF-style: chr15-39874742-A-G.
Other names: short protein forms H139R.
Identifiers: ClinVar variation 4983227 (VCV004983227.1).